The following is an entry in ClinVar:

ClinVar aggregate classification (germline): Uncertain significance. Review status: criteria provided, multiple submitters, no conflicts (2 of 4 stars). 5 submissions from 5 submitters: Uncertain significance (3). 2 of the submissions do not count toward it. Last evaluated 2026-02-04.

Conditions:
FIG4-related disorder. Also called: FIG4-related disorders; FIG4-related condition.
Charcot-Marie-Tooth disease type 4. Also called: Charcot-Marie-Tooth disease, type IV; Charcot-Marie-Tooth, Type 4. Identifiers: Orphanet 64749, MedGen C4082197, MONDO:0018995.
Amyotrophic lateral sclerosis (ALS). Also called: Charcot disease; Lou Gehrig disease. Identifiers: Orphanet 803, MedGen C0002736, MONDO:0004976, HP:0007354.
Amyotrophic lateral sclerosis type 11 (ALS11). Identifiers: Orphanet 803, MedGen C2675491, MONDO:0012945, OMIM 612577.

Allele frequency attached by ClinVar (database versions not stated): ExAC 0.00003; TOPMed 0.00003.
gnomAD v4.1: 56 of 1,516,520 alleles (0.0037%); highest among the groups gnomAD compares: Non-Finnish European, 0.0046%; no homozygotes.

Submissions (6):

PreventionGenetics, part of Exact Sciences
Classification: Uncertain significance for FIG4-related condition. Last evaluated: 2026-02-04. Review status: criteria provided, single submitter. Criteria: ACMG Guidelines, 2015. Collection method: clinical testing. Allele origin: germline.
Comment: The FIG4 c.1388+5G>T variant is predicted to interfere with splicing. However, the use of computer prediction programs is not equivalent to functional evidence. This variant has been reported in an individual diagnosed with amyotrophic lateral sclerosis (Chow et al 2009. PubMed ID: 19118816) and in a study of individuals with a suspected diagnosis of Charcot-Marie-Tooth disease (Table S2, Volodarsky et al. 2020. PubMed ID: 32376792). However, additional evidence that would help establish pathogenicity was not reported in either study. This variant is reported in 0.0079% of alleles in individuals of European (non-Finnish) descent in gnomAD. It is interpreted as a variant of uncertain significance in ClinVar by two clinical laboratories (ClinVar ID: 246119). At this time, the clinical significance of this variant is uncertain due to the absence of conclusive functional and genetic evidence.

GeneDx
Classification: Uncertain significance. Last evaluated: 2025-09-30. Review status: criteria provided, single submitter. Criteria: GeneDx Variant Classification Process June 2021. Collection method: clinical testing. Allele origin: germline. Affected: yes.
Comment: Not observed at significant frequency in large population cohorts (gnomAD); In silico analysis supports a deleterious effect on splicing; Reported in a patient with amyotrophic lateral sclerosis (ALS) and in a patient with suspected Charcot-Marie-Tooth disease (CMT) in published literature, but detailed clinical information and segregation information were not provided (PMID: 19118816, 32376792); This variant is associated with the following publications: (PMID: 19118816, 32376792)

Labcorp Genetics (formerly Invitae), Labcorp
Classification: Uncertain significance for Charcot-Marie-Tooth disease type 4. Last evaluated: 2022-08-16. Review status: criteria provided, single submitter. Criteria: Invitae Variant Classification Sherloc (09022015). Collection method: clinical testing. Allele origin: germline.
Comment: This sequence change falls in intron 12 of the FIG4 gene. It does not directly change the encoded amino acid sequence of the FIG4 protein. It affects a nucleotide within the consensus splice site. This variant is present in population databases (rs200730266, gnomAD 0.008%). This variant has been observed in individual(s) with clinical features of FIG4-related conditions (PMID: 19118816, 32376792). This variant is also known as c.1386+5G>T. ClinVar contains an entry for this variant (Variation ID: 246119). Variants that disrupt the consensus splice site are a relatively common cause of aberrant splicing (PMID: 17576681, 9536098). Algorithms developed to predict the effect of sequence changes on RNA splicing suggest that this variant may disrupt the consensus splice site. In summary, the available evidence is currently insufficient to determine the role of this variant in disease. Therefore, it has been classified as a Variant of Uncertain Significance.

Inherited Neuropathy Consortium Ii, University Of Miami
Classification: Uncertain significance for Amyotrophic lateral sclerosis. Last evaluated: 2016-01-06. Review status: no assertion criteria provided. Collection method: literature only. Allele origin: germline. Affected: yes. Not counted in ClinVar's aggregate classification.

OMIM
Classification: Pathogenic for AMYOTROPHIC LATERAL SCLEROSIS 11. Last evaluated: 2009-01-01. Review status: no assertion criteria provided. Collection method: literature only. Allele origin: germline. Not counted in ClinVar's aggregate classification.

Dr. Peter K. Rogan Lab, Western University
No classification provided (evidence only). Condition: Uterine corpus endometrial carcinoma. Review status: no classification provided. Collection method: in vitro. Allele origin: not applicable. Functional consequence: retained intron. Not counted in ClinVar's aggregate classification.

Literature cited by the submitters: PubMed 19118816 (cited by 3 submitters); PubMed 32376792 (cited by Labcorp Genetics (formerly Invitae), Labcorp); PubMed 17576681 (cited by Labcorp Genetics (formerly Invitae), Labcorp); PubMed 9536098 (cited by Labcorp Genetics (formerly Invitae), Labcorp).

NM_014845.6(FIG4):c.1388+5G>T

Gene: FIG4 (FIG4 phosphoinositide 5-phosphatase; plus strand). Cytogenetic location: 6q21.
Variant type: single nucleotide variant.
Coding change: c.1388+5G>T on transcript NM_014845.6 (MANE Select); 5 bases into the intron after coding-DNA position 1388, G replaced by T.
Molecular consequence: intron variant.
Genome position (GRCh38, 1-based): chr6:109,762,212, G>T. VCF-style: chr6-109762212-G-T. GRCh37 (hg19) VCF-style: chr6-110083415-G-T.
Other names: IVS11DS, G-T, +5.
Identifiers: ClinVar variation 246119 (VCV000246119.12), dbSNP rs200730266, ClinGen allele CA3956056.